The following is an entry in ClinVar:

ClinVar aggregate classification (germline): Uncertain significance (1 of 4 stars; one submission).

Conditions:
Emery-Dreifuss muscular dystrophy 5, autosomal dominant (EDMD5). Also called: EMERY-DREIFUSS MUSCULAR DYSTROPHY 5. Identifiers: Orphanet 261, MedGen C2751805, MONDO:0013072, OMIM 612999.

Allele frequency attached by ClinVar (database versions not stated): gnomAD exomes below 0.00001 and 0.00002; gnomAD 0.00001; ExAC 0.00002.
gnomAD v4.1: 13 of 1,614,088 alleles (0.00081%); highest among the groups gnomAD compares: East Asian, 0.0089%; no homozygotes.

Submission:

Labcorp Genetics (formerly Invitae), Labcorp
Classification: Uncertain significance for Emery-Dreifuss muscular dystrophy 5, autosomal dominant. Last evaluated: 2026-02-04. Review status: criteria provided, single submitter. Criteria: Invitae Variant Classification Sherloc (09022015). Collection method: clinical testing. Allele origin: germline.
Comment: This sequence change replaces serine, which is neutral and polar, with asparagine, which is neutral and polar, at codon 5132 of the SYNE2 protein (p.Ser5132Asn). This variant is present in population databases (rs765802633, gnomAD 0.02%). This variant has not been reported in the literature in individuals affected with SYNE2-related conditions. ClinVar contains an entry for this variant (Variation ID: 1511458). An algorithm developed to predict the effect of missense changes on protein structure and function (PolyPhen-2) suggests that this variant is likely to be disruptive. In summary, the available evidence is currently insufficient to determine the role of this variant in disease. Therefore, it has been classified as a Variant of Uncertain Significance.

NM_182914.3(SYNE2):c.15395G>A (p.Ser5132Asn)

Gene: SYNE2 (spectrin repeat containing nuclear envelope protein 2; plus strand). Cytogenetic location: 14q23.2.
Variant type: single nucleotide variant.
Coding change: c.15395G>A on transcript NM_182914.3 (MANE Select); coding-DNA position 15395, G replaced by A.
Protein change: p.Ser5132Asn; replaces serine 5132 with asparagine.
Molecular consequence: missense variant.
Genome position (GRCh38, 1-based): chr14:64,143,860, G>A. VCF-style: chr14-64143860-G-A. GRCh37 (hg19) VCF-style: chr14-64610578-G-A.
Other names: c.15395G>A, p.Ser5132Asn (NM_015180.6); short protein forms S5132N.
Identifiers: ClinVar variation 1511458 (VCV001511458.8), dbSNP rs765802633, ClinGen allele CA7223069.